The following is an entry in ClinVar:

NM_000051.4(ATM):c.2479A>G (p.Lys827Glu)

Gene: ATM (ATM serine/threonine kinase; plus strand). Cytogenetic location: 11q22.3.
Variant type: single nucleotide variant.
Coding change: c.2479A>G on transcript NM_000051.4 (MANE Select); coding-DNA position 2479, A replaced by G.
Protein change: p.Lys827Glu; replaces lysine 827 with glutamic acid.
Molecular consequence: missense variant.
Genome position (GRCh38, 1-based): chr11:108,267,183, A>G. VCF-style: chr11-108267183-A-G. GRCh37 (hg19) VCF-style: chr11-108137910-A-G.
Other names: c.2479A>G, p.Lys827Glu (NM_001351834.2); short protein forms K827E.
Identifiers: ClinVar variation 3798072 (VCV003798072.1).

ClinVar aggregate classification (germline): Uncertain significance (1 of 4 stars; one submission).

Conditions:
Hereditary cancer-predisposing syndrome. Also called: Neoplastic Syndromes, Hereditary; Hereditary Cancer Syndrome; Tumor predisposition; Hereditary neoplastic syndrome. Identifiers: Orphanet 140162, MedGen C0027672, MeSH D009386, MONDO:0015356.

Submission:

Ambry Genetics
Classification: Uncertain significance for Hereditary cancer-predisposing syndrome. Last evaluated: 2025-02-06. Review status: criteria provided, single submitter. Criteria: Ambry Variant Classification Scheme 2023. Collection method: clinical testing. Allele origin: germline.
Comment: The p.K827E variant (also known as c.2479A>G), located in coding exon 16 of the ATM gene, results from an A to G substitution at nucleotide position 2479. The lysine at codon 827 is replaced by glutamic acid, an amino acid with similar properties. This amino acid position is conserved. In addition, this alteration is predicted to be tolerated by in silico analysis. Based on the available evidence, the clinical significance of this variant remains unclear.